The following is an entry in ClinVar:

NM_002775.5(HTRA1):c.840C>T (p.Val280=)

Gene: HTRA1 (HtrA serine peptidase 1; plus strand). Cytogenetic location: 10q26.13.
Variant type: single nucleotide variant.
Coding change: c.840C>T on transcript NM_002775.5 (MANE Select); coding-DNA position 840, C replaced by T.
Protein change: p.Val280=; no amino-acid change (valine 280 retained).
Molecular consequence: synonymous variant.
Genome position (GRCh38, 1-based): chr10:122,506,753, C>T. VCF-style: chr10-122506753-C-T. GRCh37 (hg19) VCF-style: chr10-124266269-C-T.
Identifiers: ClinVar variation 3050934 (VCV003050934.3), dbSNP rs141925572, ClinGen allele CA5725946.

ClinVar aggregate classification (germline): Likely benign. Review status: criteria provided, single submitter (1 of 4 stars). 2 submissions from 2 submitters: Likely benign (1). 1 of the submissions does not count toward it. Last evaluated 2023-07-10.

Conditions:
HTRA1-related disorder. Also called: HTRA1-related condition.

Allele frequency attached by ClinVar (database versions not stated): 1000 Genomes Project 30x 0.00016; 1000 Genomes Project 0.00020.
gnomAD v4.1: 35 of 1,613,738 alleles (0.0022%); highest among the groups gnomAD compares: African/African-American, 0.02%; no homozygotes.

Submissions (2):

Blueprint Genetics
Classification: Likely benign. Last evaluated: 2023-07-10. Review status: criteria provided, single submitter. Criteria: ACMG Guidelines, 2015. Collection method: clinical testing. Allele origin: germline.

PreventionGenetics, part of Exact Sciences
Classification: Likely benign for HTRA1-related condition. Last evaluated: 2020-02-13. Review status: no assertion criteria provided. Collection method: clinical testing. Allele origin: germline. Not counted in ClinVar's aggregate classification.
Comment: This variant is classified as likely benign based on ACMG/AMP sequence variant interpretation guidelines (Richards et al. 2015 PMID: 25741868, with internal and published modifications).